The following is an entry in ClinVar:

NM_000057.4(BLM):c.722G>A (p.Gly241Asp)

Gene: BLM (BLM RecQ like helicase; plus strand). Cytogenetic location: 15q26.1.
Variant type: single nucleotide variant.
Coding change: c.722G>A on transcript NM_000057.4 (MANE Select); coding-DNA position 722, G replaced by A.
Protein change: p.Gly241Asp; replaces glycine 241 with aspartic acid.
Molecular consequence: missense variant. On other transcripts: 5 prime UTR variant (1).
Genome position (GRCh38, 1-based): chr15:90,749,990, G>A. VCF-style: chr15-90749990-G-A. GRCh37 (hg19) VCF-style: chr15-91293220-G-A.
Other names: c.722G>A, p.Gly241Asp (NM_001287246.2, NM_001287247.2); c.-570G>A (NM_001287248.2); short protein forms G241D.
Identifiers: ClinVar variation 524760 (VCV000524760.21), dbSNP rs200897029, ClinGen allele CA7738336.

ClinVar aggregate classification (germline): Conflicting classifications of pathogenicity. Review status: criteria provided, conflicting classifications (1 of 4 stars). 5 submissions from 5 submitters: Uncertain significance (4); Likely benign (1). Last evaluated 2025-06-17.

Conditions:
Bloom syndrome (BLM). Also called: Bloom-Torre-Machacek syndrome. Identifiers: Orphanet 125, MedGen C0005859, MONDO:0008876, OMIM 210900.
Hereditary cancer-predisposing syndrome. Also called: Neoplastic Syndromes, Hereditary; Hereditary neoplastic syndrome; Tumor predisposition; Hereditary Cancer Syndrome. Identifiers: Orphanet 140162, MedGen C0027672, MeSH D009386, MONDO:0015356.

Allele frequency attached by ClinVar (database versions not stated): ExAC 0.00001; gnomAD exomes 0.00003; gnomAD 0.00004; TOPMed 0.00004.

Submissions (5):

St. Jude Molecular Pathology, St. Jude Children's Research Hospital
Classification: Uncertain significance for Bloom syndrome. Last evaluated: 2025-06-17. Review status: criteria provided, single submitter. Criteria: St. Jude Assertion Criteria 2020. Collection method: clinical testing. Allele origin: germline.
Comment: The BLM c.722G>A p.(Gly241Asp) missense change has a maximum subpopulation frequency of 0.006% in gnomAD v2.1.1. The in silico tool REVEL predicts a benign effect on protein function, but to our knowledge this prediction has not been confirmed by functional studies. To our knowledge, this variant has not been reported in individuals with Bloom syndrome. In summary, the evidence currently available is insufficient to determine the clinical significance of this variant. It has therefore been classified as of uncertain significance.

Labcorp Genetics (formerly Invitae), Labcorp
Classification: Uncertain significance for Bloom syndrome. Last evaluated: 2025-01-29. Review status: criteria provided, single submitter. Criteria: Invitae Variant Classification Sherloc (09022015). Collection method: clinical testing. Allele origin: germline.
Comment: This sequence change replaces glycine, which is neutral and non-polar, with aspartic acid, which is acidic and polar, at codon 241 of the BLM protein (p.Gly241Asp). This variant is present in population databases (rs200897029, gnomAD 0.006%). This variant has not been reported in the literature in individuals affected with BLM-related conditions. ClinVar contains an entry for this variant (Variation ID: 524760). An algorithm developed to predict the effect of missense changes on protein structure and function outputs the following: PolyPhen-2: "Benign". The aspartic acid amino acid residue is found in multiple mammalian species, which suggests that this missense change does not adversely affect protein function. In summary, the available evidence is currently insufficient to determine the role of this variant in disease. Therefore, it has been classified as a Variant of Uncertain Significance.

GeneDx
Classification: Uncertain significance. Last evaluated: 2024-07-05. Review status: criteria provided, single submitter. Criteria: GeneDx Variant Classification Process June 2021. Collection method: clinical testing. Allele origin: germline. Affected: yes.
Comment: Not observed at significant frequency in large population cohorts (gnomAD); In silico analysis indicates that this missense variant does not alter protein structure/function; Has not been previously published as pathogenic or benign to our knowledge

Sema4
Classification: Uncertain significance for Hereditary cancer-predisposing syndrome. Last evaluated: 2022-02-16. Review status: criteria provided, single submitter. Criteria: Sema4 Curation Guidelines. Collection method: curation. Allele origin: germline.
Comment: The BLM c.722G>A (p.G241D) variant has not been reported in the literature to our knowledge. This variant was observed in 8/128782 chromosomes in the Non-Finnish European population according to the Genome Aggregation Database (PMID: 32461654). This variant has been reported in ClinVar (Variation ID: 524760). In silico tools suggest the impact of the variant on protein function is benign, though these predictions have not been confirmed by functional studies. There is no indication that this variant causes disease, but the evidence is insufficient currently to prove that conclusively. Thus, the clinical significance of this variant is currently uncertain.

Ambry Genetics
Classification: Likely benign for Hereditary cancer-predisposing syndrome. Last evaluated: 2018-05-10. Review status: criteria provided, single submitter. Criteria: Ambry Variant Classification Scheme 2023. Collection method: clinical testing. Allele origin: germline.